The following is an entry in ClinVar:

NM_025114.4(CEP290):c.3240T>G (p.Tyr1080Ter)

Gene: CEP290 (centrosomal protein 290; minus strand). Cytogenetic location: 12q21.32.
Variant type: single nucleotide variant.
Coding change: c.3240T>G on transcript NM_025114.4 (MANE Select); coding-DNA position 3240, T replaced by G.
Protein change: p.Tyr1080Ter; replaces tyrosine 1080 with a stop codon.
Molecular consequence: nonsense.
Genome position (GRCh38, 1-based): chr12:88,093,839, A>C on the plus strand (T>G on the coding strand, the complement: CEP290 is on the minus strand). VCF-style: chr12-88093839-A-C. GRCh37 (hg19) VCF-style: chr12-88487616-A-C.
Other names: short protein forms Y1080*.
Identifiers: ClinVar variation 963842 (VCV000963842.10), dbSNP rs886042467, ClinGen allele CA386006028.
Genomic context (GRCh38, chr12:88,093,839, plus strand): 5'-TTTGGTTTCCAATTCAAAATTACGTTCCTCCATTTGCTTTAACGAAGTCCGTAAGTGTTC[A>C]TACATTTTTTGACAATGTTCAGCCCGCTGCCTTTCATTTAATTCCTTCATTTCCAGCATA-3'

ClinVar aggregate classification (germline): Pathogenic/Likely pathogenic. Review status: criteria provided, multiple submitters, no conflicts (2 of 4 stars). 3 submissions from 3 submitters: Pathogenic (2); Likely pathogenic (1). Last evaluated 2026-06-11.

Conditions:
CEP290-related ciliopathy. Also called: CEP290 ciliopathy. Identifiers: MedGen CN305601, MONDO:0100451.
Meckel-Gruber syndrome. Also called: Dysencephalia splachnocystica; DYSENCEPHALIA SPLANCHNOCYSTICA; GRUBER SYNDROME. Identifiers: Orphanet 564, MedGen C0265215, MONDO:0018921.
Nephronophthisis. Also called: Juvenile Nephronophthisis. Identifiers: Orphanet 655, MedGen C0687120, MONDO:0019005, HP:0000090.
Joubert syndrome. Also called: JOUBERT-BOLTSHAUSER SYNDROME; Familial aplasia of the vermis. Identifiers: Orphanet 475, MedGen C5979921, MONDO:0018772.
Meckel syndrome, type 4 (MKS4). Also called: MECKEL-GRUBER SYNDROME, TYPE 4. Identifiers: Orphanet 564, MedGen C1970161, MONDO:0012626, OMIM 611134.
Leber congenital amaurosis 10 (LCA10). Identifiers: Orphanet 65, MedGen C1857821, MONDO:0012723, OMIM 611755.
Joubert syndrome 5 (JBTS5). Identifiers: Orphanet 2318, MedGen C1857780, MONDO:0012432, OMIM 610188.
Senior-Loken syndrome 6 (SLSN6). Identifiers: Orphanet 3156, MedGen C1857779, MONDO:0012433, OMIM 610189.
Bardet-Biedl syndrome 14 (BBS14). Identifiers: Orphanet 110, MedGen C2673874, MONDO:0014442, OMIM 615991.

gnomAD v4.1: 4 of 1,612,898 alleles (0.00025%); highest among the groups gnomAD compares: Non-Finnish European, 0.00034%; no homozygotes.

Submissions (3):

Myriad Genetics, Inc.
Classification: Pathogenic for CEP290-related ciliopathy. Last evaluated: 2026-06-11. Review status: criteria provided, single submitter. Criteria: Myriad Autosomal Dominant, Autosomal Recessive and X-Linked Classification Criteria (2023). Collection method: clinical testing. Allele origin: unknown.
Comment: NM_025114.3(CEP290):c.3240T>G(Y1080*) is expected to be pathogenic in the context of CEP290-related disorders. This variant is predicted to lead to an abnormal or absent protein product due to the creation of a premature termination codon in CEP290, a gene where loss-of-function variants are known to be pathogenic. Please note: this variant was assessed in the context of healthy population screening.

Fulgent Genetics
Classification: Likely pathogenic for Joubert syndrome 5; Senior-Loken syndrome 6; Meckel syndrome, type 4; Leber congenital amaurosis 10; Bardet-Biedl syndrome 14. Last evaluated: 2021-07-30. Review status: criteria provided, single submitter. Criteria: ACMG Guidelines, 2015. Collection method: clinical testing. Allele origin: unknown.

Labcorp Genetics (formerly Invitae), Labcorp
Classification: Pathogenic for Joubert syndrome; Meckel-Gruber syndrome; Nephronophthisis. Last evaluated: 2019-09-24. Review status: criteria provided, single submitter. Criteria: Invitae Variant Classification Sherloc (09022015). Collection method: clinical testing. Allele origin: germline.
Comment: For these reasons, this variant has been classified as Pathogenic. Loss-of-function variants in CEP290 are known to be pathogenic (PMID: 16909394, 17345604, 20690115, 25377065, 28559085). Algorithms developed to predict the effect of sequence changes on RNA splicing suggest that this variant may create or strengthen a splice site, but this prediction has not been confirmed by published transcriptional studies. This variant has not been reported in the literature in individuals with CEP290-related conditions. This variant is not present in population databases (ExAC no frequency). This sequence change creates a premature translational stop signal (p.Tyr1080*) in the CEP290 gene. It is expected to result in an absent or disrupted protein product.

Literature cited by the submitters: PubMed 16909394 (cited by Labcorp Genetics (formerly Invitae), Labcorp); PubMed 17345604 (cited by Labcorp Genetics (formerly Invitae), Labcorp); PubMed 20690115 (cited by Labcorp Genetics (formerly Invitae), Labcorp); PubMed 25377065 (cited by Labcorp Genetics (formerly Invitae), Labcorp); PubMed 28559085 (cited by Labcorp Genetics (formerly Invitae), Labcorp).